The following is an entry in ClinVar:

ClinVar aggregate classification (germline): Likely benign. Review status: criteria provided, multiple submitters, no conflicts (2 of 4 stars). 2 submissions from 2 submitters: Likely benign (2). Last evaluated 2025-10-01.

Conditions:
Inborn genetic diseases. Identifiers: MedGen C0950123, MeSH D030342.

Allele frequency attached by ClinVar (database versions not stated): TOPMed 0.00080; gnomAD exomes 0.00096; gnomAD 0.00113; ExAC 0.00132; ESP Exome Variant Server 0.00148.
gnomAD v4.1: 1,554 of 1,612,914 alleles (0.096%); highest among the groups gnomAD compares: Non-Finnish European, 0.1%; 3 homozygotes.

Submissions (2):

CeGaT Center for Human Genetics Tuebingen
Classification: Likely benign. Last evaluated: 2025-10-01. Review status: criteria provided, single submitter. Criteria: CeGaT Center For Human Genetics Tuebingen Variant Classification Criteria Version 2. Collection method: clinical testing. Allele origin: germline. Affected: yes. Observed: 3 variant alleles.
Comment: DNAH17: BP4, BS2

Ambry Genetics
Classification: Likely benign for Inborn genetic diseases. Last evaluated: 2021-10-18. Review status: criteria provided, single submitter. Criteria: Ambry Variant Classification Scheme 2023. Collection method: clinical testing. Allele origin: germline.

NM_173628.4(DNAH17):c.6379G>A (p.Val2127Ile)

Genes: DNAH17 (dynein axonemal heavy chain 17; minus strand), DNAH17-AS1 (DNAH17 antisense RNA 1; plus strand), LOC126862653 (BRD4-independent group 4 enhancer GRCh37_chr17:76489132-76490331; plus strand). Cytogenetic location: 17q25.3.
Variant type: single nucleotide variant.
Coding change: c.6379G>A on transcript NM_173628.4 (MANE Select); coding-DNA position 6379, G replaced by A.
Protein change: p.Val2127Ile; replaces valine 2127 with isoleucine.
Molecular consequence: missense variant. On other transcripts: non-coding transcript variant (1).
Genome position (GRCh38, 1-based): chr17:78,494,065, C>T on the plus strand (G>A on the coding strand, the complement: DNAH17 is on the minus strand). VCF-style: chr17-78494065-C-T. GRCh37 (hg19) VCF-style: chr17-76490147-C-T.
Other names: short protein forms V2127I.
Identifiers: ClinVar variation 2215078 (VCV002215078.27), dbSNP rs199790803, ClinGen allele CA8802811.